The following is an entry in ClinVar:

ClinVar aggregate classification (germline): Pathogenic/Likely pathogenic. Review status: criteria provided, multiple submitters, no conflicts (2 of 4 stars). 2 submissions from 2 submitters: Pathogenic (1); Likely pathogenic (1). Last evaluated 2023-08-21.

Conditions:
Generalized epilepsy with febrile seizures plus, type 2 (GEFSP2). Also called: GEFS+, TYPE 2. Identifiers: Orphanet 36387, MedGen C1858673, MONDO:0011461, OMIM 604403.

Submissions (2):

GeneDx
Classification: Likely pathogenic. Last evaluated: 2023-08-21. Review status: criteria provided, single submitter. Criteria: GeneDx Variant Classification Process June 2021. Collection method: clinical testing. Allele origin: germline. Affected: yes.
Comment: Not observed at significant frequency in large population cohorts (gnomAD); Missense variants in this gene are often considered pathogenic (HGMD); In silico analysis supports that this missense variant has a deleterious effect on protein structure/function; This substitution is predicted to be in the intracellular loop between the S2 and S3 transmembrane segments of the third homologous domain; Previously reported in an individual with epilepsy, however additional clinical details were not available (Lindy et al., 2018); This variant is associated with the following publications: (PMID: 29655203)

Mendelics
Classification: Pathogenic for Generalized epilepsy with febrile seizures plus, type 2. Last evaluated: 2022-05-04. Review status: criteria provided, single submitter. Criteria: Mendelics Assertion Criteria 2019. Collection method: clinical testing. Allele origin: germline.

NM_001165963.4(SCN1A):c.3824G>A (p.Gly1275Asp)

Genes: SCN1A (sodium voltage-gated channel alpha subunit 1; minus strand), LOC102724058 (uncharacterized LOC102724058; plus strand). Cytogenetic location: 2q24.3.
Variant type: single nucleotide variant.
Coding change: c.3824G>A on transcript NM_001165963.4 (MANE Select); coding-DNA position 3824, G replaced by A.
Protein change: p.Gly1275Asp; replaces glycine 1275 with aspartic acid.
Molecular consequence: missense variant. On other transcripts: non-coding transcript variant (1).
Genome position (GRCh38, 1-based): chr2:166,012,164, C>T on the plus strand (G>A on the coding strand, the complement: SCN1A is on the minus strand). VCF-style: chr2-166012164-C-T. GRCh37 (hg19) VCF-style: chr2-166868674-C-T.
Other names: p.G1275D:GGC>GAC; c.3740G>A, p.Gly1247Asp (NM_001165964.3, NM_001353957.2, NM_001353958.2); c.3824G>A, p.Gly1275Asp (NM_001202435.3, NM_001353948.2); c.3791G>A, p.Gly1264Asp (NM_001353949.2, NM_001353950.2, NM_001353951.2 and 2 more transcripts); c.3788G>A, p.Gly1263Asp (NM_001353954.2, NM_001353955.2); c.3737G>A, p.Gly1246Asp (NM_001353960.2); c.1382G>A, p.Gly461Asp (NM_001353961.2); short protein forms G1264D, G1275D, G1246D, G1247D, G1263D, G461D.
Identifiers: ClinVar variation 206810 (VCV000206810.5), dbSNP rs796053000, ClinGen allele CA317400.